The following is an entry in ClinVar:

NM_001267550.2(TTN):c.51355T>G (p.Phe17119Val)

Genes: TTN (titin; minus strand), TTN-AS1 (TTN antisense RNA 1; plus strand). Cytogenetic location: 2q31.2.
Variant type: single nucleotide variant.
Coding change: c.51355T>G on transcript NM_001267550.2 (MANE Select); coding-DNA position 51355, T replaced by G.
Protein change: p.Phe17119Val; replaces phenylalanine 17119 with valine.
Molecular consequence: missense variant.
Genome position (GRCh38, 1-based): chr2:178,610,171, A>C on the plus strand (T>G on the coding strand, the complement: TTN is on the minus strand). VCF-style: chr2-178610171-A-C. GRCh37 (hg19) VCF-style: chr2-179474898-A-C.
Other names: c.46432T>G, p.Phe15478Val (NM_001256850.1); c.24160T>G, p.Phe8054Val (NM_003319.4); c.43651T>G, p.Phe14551Val (NM_133378.4); c.24535T>G, p.Phe8179Val (NM_133432.3); c.24736T>G, p.Phe8246Val (NM_133437.4); short protein forms F17119V, F8179V, F15478V, F8054V, F8246V, F14551V.
Identifiers: ClinVar variation 238796 (VCV000238796.25), dbSNP rs370696020, ClinGen allele CA1994218.
Genomic context (GRCh38, chr2:178,610,171, plus strand): 5'-CTGGATTTTTCAGTTCAATATATTCTCCTCCACCAACCTTGTTGACTGCTTTAACACGGA[A>C]GAAGTATTCACCATTTGGTATGAGATCCTTCACAGTCCATGACAGTTTGTTCTCACCAGA-3'
Protein context (NP_001254479.2, residues 17109-17129): KDLIPNGEYF[Phe17119Val]RVKAVNKVGG

ClinVar aggregate classification (germline): Conflicting classifications of pathogenicity. Review status: criteria provided, conflicting classifications (1 of 4 stars). 7 submissions from 7 submitters: Uncertain significance (6); Likely benign (1). Last evaluated 2025-11-04.

Conditions:
Cardiovascular phenotype. Identifiers: MedGen CN230736.
TTN-related disorder. Also called: TTN-related disorders; TTN-related condition; TTN-related disease.
Dilated cardiomyopathy 1G (CMD1G). Identifiers: Orphanet 154, MedGen C1858763, MONDO:0011400, OMIM 604145.
Autosomal recessive limb-girdle muscular dystrophy type 2J (LGMDR10). Also called: Limb-girdle muscular dystrophy, type 2J; MUSCULAR DYSTROPHY, LIMB-GIRDLE, AUTOSOMAL RECESSIVE 10. Identifiers: Orphanet 140922, MedGen C1837342, MONDO:0012127, OMIM 608807.
Early-onset myopathy with fatal cardiomyopathy (CMYO5). Also called: Salih Myopathy; CONGENITAL MYOPATHY 5 WITH CARDIOMYOPATHY. Identifiers: Orphanet 289377, MedGen C2673677, MONDO:0012714, OMIM 611705. Disease mechanism: loss of function.
Hypertrophic cardiomyopathy 9. Also called: Familial hypertrophic cardiomyopathy 9. Identifiers: MedGen C1861065, MONDO:0013412, OMIM 613765.
Tibial muscular dystrophy (TMD). Also called: UDD MYOPATHY; Tibial muscular dystrophy, tardive; Udd Distal Myopathy – Tibial Muscular Dystrophy. Identifiers: Orphanet 609, MedGen C1838244, MONDO:0010870, OMIM 600334.
Myopathy, myofibrillar, 9, with early respiratory failure (MFM9). Also called: EDSTROM MYOPATHY; MYOPATHY, PROXIMAL, WITH EARLY RESPIRATORY MUSCLE INVOLVEMENT; Hereditary myopathy with early respiratory failure; Myopathy, distal, with early respiratory failure, autosomal dominant. Identifiers: Orphanet 178464, Orphanet 34521, MedGen C1863599, MONDO:0011362, OMIM 603689.

Allele frequency attached by ClinVar (database versions not stated): TOPMed 0.00004; ESP Exome Variant Server 0.00008; gnomAD exomes 0.00008 and 0.00004; ExAC 0.00013; gnomAD 0.00001 and 0.00002.
gnomAD v4.1: 57 of 1,613,044 alleles (0.0035%); highest among the groups gnomAD compares: South Asian, 0.035%; 1 homozygote.

Submissions (7):

PreventionGenetics, part of Exact Sciences
Classification: Uncertain significance for TTN-related condition. Last evaluated: 2025-11-04. Review status: criteria provided, single submitter. Criteria: ACMG Guidelines, 2015. Collection method: clinical testing. Allele origin: germline.
Comment: The TTN c.51355T>G variant is predicted to result in the amino acid substitution p.Phe17119Val. This variant has been reported in an individual with dilated cardiomyopathy (described as p.Phe14551Val in patient #583 in Tables S1 and S2, Guelly et al. 2021. PubMed ID: 33552729). This variant is reported in 0.046% of alleles in individuals of South Asian descent in gnomAD. At this time, the clinical significance of this variant is uncertain due to the absence of conclusive functional and genetic evidence.

CeGaT Center for Human Genetics Tuebingen
Classification: Uncertain significance. Last evaluated: 2024-08-01. Review status: criteria provided, single submitter. Criteria: CeGaT Center For Human Genetics Tuebingen Variant Classification Criteria Version 2. Collection method: clinical testing. Allele origin: germline. Affected: yes. Observed: 1 variant allele.
Comment: TTN: PM2

Women's Health and Genetics/Laboratory Corporation of America, LabCorp
Classification: Uncertain significance. Last evaluated: 2023-08-15. Review status: criteria provided, single submitter. Criteria: LabCorp Variant Classification Summary - May 2015. Collection method: clinical testing. Allele origin: germline.
Comment: Variant summary: TTN c.43651T>G (p.Phe14551Val) results in a non-conservative amino acid change located in the A-band region of the encoded protein sequence. Four of five in-silico tools predict a damaging effect of the variant on protein function. The variant allele was found at a frequency of 8.1e-05 in 248266 control chromosomes (gnomAD). This frequency is not significantly higher than estimated for a pathogenic variant in TTN causing Cardiomyopathy (8.1e-05 vs 0.00063), allowing no conclusion about variant significance. c.43651T>G has been reported in the literature in at least one individual affected with Cardiomyopathy without evidence for causality (Guelly_2021). To our knowledge, no experimental evidence demonstrating an impact on protein function has been reported. The following publication has been ascertained in the context of this evaluation (PMID: 33552729). Three ClinVar submitters have assessed the variant since 2014: all submitters classified the variant as uncertain significance. Based on the evidence outlined above, the variant was classified as uncertain significance.

Blueprint Genetics
Classification: Likely benign. Last evaluated: 2023-05-16. Review status: criteria provided, single submitter. Criteria: ACMG Guidelines, 2015. Collection method: clinical testing. Allele origin: germline.

Fulgent Genetics
Classification: Uncertain significance for Tibial muscular dystrophy; Myopathy, myofibrillar, 9, with early respiratory failure; Dilated cardiomyopathy 1G; Autosomal recessive limb-girdle muscular dystrophy type 2J; Early-onset myopathy with fatal cardiomyopathy; Hypertrophic cardiomyopathy 9. Last evaluated: 2021-11-11. Review status: criteria provided, single submitter. Criteria: ACMG Guidelines, 2015. Collection method: clinical testing. Allele origin: unknown.

Ambry Genetics
Classification: Uncertain significance for Cardiovascular phenotype. Last evaluated: 2019-09-18. Review status: criteria provided, single submitter. Criteria: Ambry Variant Classification Scheme 2023. Collection method: clinical testing. Allele origin: germline.
Comment: The p.F8054V variant (also known as c.24160T>G), located in coding exon 98 of the TTN gene, results from a T to G substitution at nucleotide position 24160. The phenylalanine at codon 8054 is replaced by valine, an amino acid with highly similar properties. This amino acid position is highly conserved in available vertebrate species. In addition, the in silico prediction for this alteration is inconclusive. Since supporting evidence is limited at this time, the clinical significance of this alteration remains unclear.

Labcorp Genetics (formerly Invitae), Labcorp
Classification: Uncertain significance for Dilated cardiomyopathy 1G; Autosomal recessive limb-girdle muscular dystrophy type 2J. Last evaluated: 2015-12-22. Review status: criteria provided, single submitter. Criteria: Invitae Variant Classification Sherloc (09022015). Collection method: clinical testing. Allele origin: germline.

Literature cited by the submitters: PubMed 33552729 (cited by Women's Health and Genetics/Laboratory Corporation of America, LabCorp).